The following is an entry in ClinVar:

ClinVar aggregate classification (germline): Uncertain significance. Review status: criteria provided, multiple submitters, no conflicts (2 of 4 stars). 2 submissions from 2 submitters: Uncertain significance (2). Last evaluated 2024-09-16.

Conditions:
Dyskeratosis congenita, autosomal dominant 6 (DKCA6). Identifiers: Orphanet 3322, MedGen C4225284, MONDO:0014690, OMIM 616553.
Inborn genetic diseases. Identifiers: MedGen C0950123, MeSH D030342.

Allele frequency attached by ClinVar (database versions not stated): gnomAD 0.00001; gnomAD exomes 0.00001.
gnomAD v4.1: 9 of 1,608,962 alleles (0.00056%); highest among the groups gnomAD compares: South Asian, 0.0088%; no homozygotes.

Submissions (2):

Ambry Genetics
Classification: Uncertain significance for Inborn genetic diseases. Last evaluated: 2024-09-16. Review status: criteria provided, single submitter. Criteria: Ambry Variant Classification Scheme 2023. Collection method: clinical testing. Allele origin: germline.
Comment: The p.G141V variant (also known as c.422G>T), located in coding exon 2 of the ACD gene, results from a G to T substitution at nucleotide position 422. The glycine at codon 141 is replaced by valine, an amino acid with dissimilar properties. This amino acid position is conserved. In addition, this alteration is predicted to be tolerated by in silico analysis. Since supporting evidence is limited at this time, the clinical significance of this alteration remains unclear.

Labcorp Genetics (formerly Invitae), Labcorp
Classification: Uncertain significance for Dyskeratosis congenita, autosomal dominant 6. Last evaluated: 2023-04-14. Review status: criteria provided, single submitter. Criteria: Invitae Variant Classification Sherloc (09022015). Collection method: clinical testing. Allele origin: germline.
Comment: In summary, the available evidence is currently insufficient to determine the role of this variant in disease. Therefore, it has been classified as a Variant of Uncertain Significance. This sequence change replaces glycine, which is neutral and non-polar, with valine, which is neutral and non-polar, at codon 141 of the ACD protein (p.Gly141Val). This variant is present in population databases (no rsID available, gnomAD 0.007%). This variant has not been reported in the literature in individuals affected with ACD-related conditions. ClinVar contains an entry for this variant (Variation ID: 1738893). Advanced modeling of protein sequence and biophysical properties (such as structural, functional, and spatial information, amino acid conservation, physicochemical variation, residue mobility, and thermodynamic stability) performed at Invitae indicates that this missense variant is expected to disrupt ACD protein function.

NM_001082486.2(ACD):c.164G>T (p.Gly55Val)

Gene: ACD (ACD shelterin complex subunit and telomerase recruitment factor; minus strand). Cytogenetic location: 16q22.1.
Variant type: single nucleotide variant.
Coding change: c.164G>T on transcript NM_001082486.2 (MANE Select); coding-DNA position 164, G replaced by T.
Protein change: p.Gly55Val; replaces glycine 55 with valine.
Molecular consequence: missense variant.
Genome position (GRCh38, 1-based): chr16:67,659,981, C>A on the plus strand (G>T on the coding strand, the complement: ACD is on the minus strand). VCF-style: chr16-67659981-C-A. GRCh37 (hg19) VCF-style: chr16-67693884-C-A.
Other names: c.164G>T, p.Gly55Val (NM_001410884.1); c.155G>T, p.Gly52Val (NM_022914.3); short protein forms G52V, G55V.
Identifiers: ClinVar variation 1738893 (VCV001738893.6), dbSNP rs1246930718, ClinGen allele CA396356790.